The following is an entry in ClinVar:

ClinVar aggregate classification (germline): Pathogenic (1 of 4 stars; one submission).

Conditions:
Ulnar-mammary syndrome (UMS). Also called: SCHINZEL SYNDROME; Ulnar-mammary syndrome of Pallister; PALLISTER ULNAR-MAMMARY SYNDROME. Identifiers: Orphanet 3138, MedGen C1866994, MONDO:0008411, OMIM 181450.

Submission:

Labcorp Genetics (formerly Invitae), Labcorp
Classification: Pathogenic for Ulnar-mammary syndrome. Last evaluated: 2025-07-27. Review status: criteria provided, single submitter. Criteria: Invitae Variant Classification Sherloc (09022015). Collection method: clinical testing. Allele origin: germline.
Comment: This sequence change creates a premature translational stop signal (p.Asp347Argfs*8) in the TBX3 gene. It is expected to result in an absent or disrupted protein product. Loss-of-function variants in TBX3 are known to be pathogenic (PMID: 12668170, 16896345). This variant is not present in population databases (gnomAD no frequency). This variant has not been reported in the literature in individuals affected with TBX3-related conditions. ClinVar contains an entry for this variant (Variation ID: 3669887). For these reasons, this variant has been classified as Pathogenic.

Literature cited by the submitters: PubMed 12668170; PubMed 16896345.

NM_005996.4(TBX3):c.1038dup (p.Asp347fs)

Gene: TBX3 (T-box transcription factor 3; minus strand). Cytogenetic location: 12q24.21.
Variant type: Duplication.
Coding change: c.1038dup on transcript NM_005996.4 (MANE Select); coding-DNA position 1038, one base duplicated (A; older notation c.1038dupA).
Protein change: p.Asp347fs; shifts the reading frame from aspartic acid 347.
Molecular consequence: frameshift variant.
Genome position (GRCh38, 1-based): chr12:114,676,314, T duplicated on the plus strand (A on the coding strand, the reverse complement: TBX3 is on the minus strand); the first of 3 consecutive T bases (chr12:114,676,314-114,676,316); duplicating any one gives the same sequence. VCF-style (leftmost placement, unchanged base first): chr12-114676313-C-CT. GRCh37 (hg19) VCF-style: chr12-115114118-C-CT.
Other names: c.1098dup, p.Asp367fs (NM_016569.4); short protein forms D347fs, D367fs.
Identifiers: ClinVar variation 3669887 (VCV003669887.2).
Genomic context (GRCh38, chr12:114,676,313, plus strand): 5'-TCAACTCTTCCAGGCCACGAGGGACTGGAGTCCAGTGATCACAAAGGTGACATGGTTTAC[C>CT]TTTGAGGTTCGATGTCCCTACAGTGGAGGCGGCTGGAGAAGAAGCCTGGGCGAAGCAGTT-3'